The following is an entry in ClinVar:

ClinVar aggregate classification (germline): Pathogenic (1 of 4 stars; one submission).

Conditions:
Arrhythmogenic right ventricular dysplasia 8 (ARVD8). Also called: ARRHYTHMOGENIC RIGHT VENTRICULAR DYSPLASIA, FAMILIAL, 8; ARRHYTHMOGENIC RIGHT VENTRICULAR CARDIOMYOPATHY 8; Arrhythmogenic Right Ventricular Dysplasia/Cardiomyopathy 8. Identifiers: MedGen C1843896, MONDO:0011831, OMIM 607450.
Arrhythmogenic cardiomyopathy with wooly hair and keratoderma. Also called: Carvajal syndrome; Dilated cardiomyopathy with woolly hair and keratoderma; PALMOPLANTAR KERATODERMA WITH LEFT VENTRICULAR CARDIOMYOPATHY AND WOOLLY HAIR; Arrhythmogenic cardiomyopathy with woolly hair and keratoderma. Identifiers: Orphanet 65282, MedGen C1854063, MONDO:0011581, OMIM 605676.

Submission:

Labcorp Genetics (formerly Invitae), Labcorp
Classification: Pathogenic for Arrhythmogenic cardiomyopathy with wooly hair and keratoderma; Arrhythmogenic right ventricular dysplasia 8. Last evaluated: 2022-07-12. Review status: criteria provided, single submitter. Criteria: Invitae Variant Classification Sherloc (09022015). Collection method: clinical testing. Allele origin: germline.
Comment: For these reasons, this variant has been classified as Pathogenic. This sequence change creates a premature translational stop signal (p.Leu1489*) in the DSP gene. It is expected to result in an absent or disrupted protein product. Loss-of-function variants in DSP are known to be pathogenic (PMID: 20716751, 24503780, 25227139). This variant is not present in population databases (gnomAD no frequency). This variant has not been reported in the literature in individuals affected with DSP-related conditions. ClinVar contains an entry for this variant (Variation ID: 1388890). Algorithms developed to predict the effect of sequence changes on RNA splicing suggest that this variant may create or strengthen a splice site.

Literature cited by the submitters: PubMed 20716751; PubMed 24503780; PubMed 25227139.

NM_004415.4(DSP):c.4434_4464dup (p.Leu1489Ter)

Gene: DSP (desmoplakin; plus strand). Cytogenetic location: 6p24.3.
Variant type: Duplication.
Coding change: c.4434_4464dup on transcript NM_004415.4 (MANE Select); coding-DNA positions 4434 to 4464, 31 bases duplicated.
Protein change: p.Leu1489Ter; replaces leucine 1489 with a stop codon.
Molecular consequence: nonsense. On other transcripts: intron variant (2).
Genome position (GRCh38, 1-based): chr6:7,580,624-7,580,654, 31 bases duplicated; duplicating any 31 consecutive bases within chr6:7,580,623-7,580,654 gives the same sequence; the c. name uses the placement nearest the transcript's 3' end. GRCh37 (hg19): chr6:7,580,857-7,580,887.
Other names: c.4050+384_4050+414dup (NM_001319034.2); c.3582+852_3582+882dup (NM_001008844.3); short protein forms L1489*.
Identifiers: ClinVar variation 1388890 (VCV001388890.6), dbSNP rs2113694068, ClinGen allele CA2573140806.